The following is an entry in ClinVar:

NM_000444.6(PHEX):c.409del (p.Ile137fs)

Gene: PHEX (phosphate regulating endopeptidase X-linked; plus strand). Cytogenetic location: Xp22.11.
Variant type: Deletion.
Coding change: c.409del on transcript NM_000444.6 (MANE Select); coding-DNA position 409, one base deleted (A; older notation c.409delA).
Protein change: p.Ile137fs; shifts the reading frame from isoleucine 137.
Molecular consequence: frameshift variant.
Genome position (GRCh38, 1-based): chrX:22,076,447, A deleted; the last of 4 consecutive A bases (chrX:22,076,444-22,076,447); deleting any one gives the same sequence. VCF-style (leftmost placement, unchanged base first): chrX-22076443-CA-C. GRCh37 (hg19) VCF-style: chrX-22094561-CA-C.
Other names: c.409del, p.Ile137fs (NM_001282754.2); short protein forms I137fs.
Identifiers: ClinVar variation 3345607 (VCV003345607.1).

ClinVar aggregate classification (germline): Likely pathogenic (0 of 4 stars; one submission).

Conditions:
PHEX-related disorder. Also called: PHEX-related condition.

Submission:

PreventionGenetics, part of Exact Sciences
Classification: Likely pathogenic for PHEX-related condition. Last evaluated: 2024-06-24. Review status: no assertion criteria provided. Collection method: clinical testing. Allele origin: germline.
Comment: The PHEX c.409delA variant is predicted to result in a frameshift and premature protein termination (p.Ile137Serfs*7). To our knowledge, this variant has not been reported in the literature or in a large population database, indicating this variant is rare. Frameshift variants in PHEX are expected to be pathogenic. This variant is interpreted as likely pathogenic.